The following is an entry in ClinVar:

NM_002335.4(LRP5):c.523C>T (p.Arg175Trp)

Gene: LRP5 (LDL receptor related protein 5; plus strand). Cytogenetic location: 11q13.2.
Variant type: single nucleotide variant.
Coding change: c.523C>T on transcript NM_002335.4 (MANE Select); coding-DNA position 523, C replaced by T.
Protein change: p.Arg175Trp; replaces arginine 175 with tryptophan.
Molecular consequence: missense variant. On other transcripts: 5 prime UTR variant (1).
Genome position (GRCh38, 1-based): chr11:68,357,684, C>T. VCF-style: chr11-68357684-C-T. GRCh37 (hg19) VCF-style: chr11-68125152-C-T.
Other names: c.523C>T (NM_002335.3); c.-1243C>T (NM_001291902.2); short protein forms R175W.
Identifiers: ClinVar variation 623781 (VCV000623781.45), dbSNP rs373823574, ClinGen allele CA381611704.
Genomic context (GRCh38, chr11:68,357,684, plus strand): 5'-CTTCTCTTGCCCTGCCCCCGTCACAGGTACATGTACTGGACAGACTGGGGTGAGACGCCC[C>T]GGATTGAGCGGGCAGGGATGGATGGCAGCACCCGGAAGATCATTGTGGACTCGGACATTT-3'
Protein context (NP_002326.2, residues 165-185): MYWTDWGETP[Arg175Trp]IERAGMDGST

ClinVar aggregate classification (germline): Uncertain significance. Review status: criteria provided, multiple submitters, no conflicts (2 of 4 stars). 3 submissions from 3 submitters: Uncertain significance (3). Last evaluated 2025-08-22.

Conditions:
Exudative vitreoretinopathy 1 (EVR1). Also called: FEVR, AUTOSOMAL DOMINANT; Familial exudative vitreoretinopathy, autosomal dominant; CRISWICK-SCHEPENS SYNDROME. Identifiers: Orphanet 891, Orphanet 90050, MedGen C1851402, MONDO:0007589, OMIM 133780.
Worth disease. Also called: Autosomal dominant osteosclerosis, Worth type; OSTEOSCLEROSIS, AUTOSOMAL DOMINANT; ENDOSTEAL HYPEROSTOSIS, AUTOSOMAL DOMINANT. Identifiers: Orphanet 2790, MedGen C0432273, MONDO:0007764, OMIM 144750.
Osteoporosis. Identifiers: MedGen C0029456, MONDO:0005298, OMIM 166710, HP:0000939.
Osteoporosis with pseudoglioma (OPPG). Also called: osteoporosis-pseudoglioma syndrome. Identifiers: Orphanet 2788, MedGen C0432252, MONDO:0009820, OMIM 259770.
Bone mineral density quantitative trait locus 1 (BMND1). Identifiers: MedGen C1866079, OMIM 601884.
Polycystic liver disease 4 with or without kidney cysts. Identifiers: MedGen C4693479, MONDO:0044327, OMIM 617875.
Autosomal dominant osteopetrosis 1 (OPTA1). Also called: OSTEOPETROSIS, AUTOSOMAL DOMINANT, TYPE I. Identifiers: Orphanet 2783, MedGen C1843330, MONDO:0011877, OMIM 607634.
Exudative vitreoretinopathy 4 (EVR4). Identifiers: Orphanet 891, MedGen C1866176, MONDO:0011151, OMIM 601813.
LRP5-related disorder. Also called: LRP5-related condition.

Allele frequency attached by ClinVar (database versions not stated): gnomAD exomes 0.00001; TOPMed 0.00002; gnomAD 0.00003.
gnomAD v4.1: 19 of 1,613,996 alleles (0.0012%); highest among the groups gnomAD compares: African/African-American, 0.008%; no homozygotes.

Submissions (3):

PreventionGenetics, part of Exact Sciences
Classification: Uncertain significance for LRP5-related condition. Last evaluated: 2025-08-22. Review status: criteria provided, single submitter. Criteria: ACMG Guidelines, 2015. Collection method: clinical testing. Allele origin: germline.
Comment: The LRP5 c.523C>T variant is predicted to result in the amino acid substitution p.Arg175Trp. This variant has been reported with uncertain significance in a large cohort study of early-onset osteoporosis (Supplemental data, Mancini et al. 2024. PubMed ID: 39316135). This variant is present in 0.0040% of alleles in individuals of African descent in gnomAD. At this time, the clinical significance of this variant is uncertain due to the absence of conclusive functional and genetic evidence.

Fulgent Genetics
Classification: Uncertain significance for Exudative vitreoretinopathy 1; Worth disease; Osteoporosis; Osteoporosis with pseudoglioma; Exudative vitreoretinopathy 4; Bone mineral density quantitative trait locus 1; Autosomal dominant osteopetrosis 1; Polycystic liver disease 4 with or without kidney cysts. Last evaluated: 2022-03-15. Review status: criteria provided, single submitter. Criteria: ACMG Guidelines, 2015. Collection method: clinical testing. Allele origin: unknown.

CeGaT Center for Human Genetics Tuebingen
Classification: Uncertain significance. Last evaluated: 2018-05-01. Review status: criteria provided, single submitter. Criteria: CeGaT Center For Human Genetics Tuebingen Variant Classification Criteria Version 2. Collection method: clinical testing. Allele origin: germline. Affected: yes. Observed: 2 variant alleles.